The following is an entry in ClinVar:

NM_001382567.1(STIM1):c.98G>C (p.Gly33Ala)

Gene: STIM1 (stromal interaction molecule 1; plus strand). Cytogenetic location: 11p15.4.
Variant type: single nucleotide variant.
Coding change: c.98G>C on transcript NM_001382567.1 (MANE Select); coding-DNA position 98, G replaced by C.
Protein change: p.Gly33Ala; replaces glycine 33 with alanine.
Molecular consequence: missense variant. On other transcripts: 5 prime UTR variant (1), non-coding transcript variant (3), intron variant (10).
Genome position (GRCh38, 1-based): chr11:3,856,368, G>C. VCF-style: chr11-3856368-G-C. GRCh37 (hg19) VCF-style: chr11-3877598-G-C.
Other names: c.98G>C, p.Gly33Ala (NM_001277961.3, NM_001277962.2, NM_001382568.1 and 3 more transcripts); c.94G>C, p.Glu32Gln (NM_001382569.1); c.-140G>C (NM_001382571.1); c.-84+1632G>C (NM_001382578.1, NM_001382575.1, NM_001382574.1); c.-220+1632G>C (NM_001382580.1, NM_001382581.1); c.-84+1714G>C (NM_001382576.1); c.-84+952G>C (NM_001382566.1, NM_001382579.1, NM_001382577.1 and 1 more transcripts); short protein forms E32Q, G33A.
Identifiers: ClinVar variation 1050047 (VCV001050047.1), dbSNP rs2135170857, ClinGen allele CA379196478.

ClinVar aggregate classification (germline): Uncertain significance (0 of 4 stars; one submission).

Submission:

Department of Pathology and Laboratory Medicine, Sinai Health System
Classification: Uncertain significance. Review status: no assertion criteria provided. Collection method: clinical testing. Allele origin: unknown. Affected: yes. Study: The Canadian Open Genetics Repository (COGR).
Comment: The STIM1 p.Gly33Ala variant was not identified in the literature nor was it identified in dbSNP, ClinVar, Cosmic, MutDB or LOVD 3.0. The variant was not identified in the following control databases: the 1000 Genomes Project, the NHLBI GO Exome Sequencing Project, the Exome Aggregation Consortium (August 8th 2016), or the Genome Aggregation Database (Feb 27, 2017). The c.98G>C variant occurs outside of the splicing consensus sequence and in silico or computational prediction software programs (SpliceSiteFinder, MaxEntScan, NNSPLICE, GeneSplicer) do not predict a difference in splicing. The p.G33 residue is conserved in mammals but not in distantly related organisms and 5 of 5 computational analyses (PolyPhen-2, SIFT, AlignGVGD, BLOSUM and MutationTaster) do not suggest a high likelihood of impact to the protein. However, this information is not predictive enough to rule out pathogenicity. In summary, based on the above information the clinical significance of this variant cannot be determined with certainty at this time. This variant is classified as a variant of uncertain significance.